The following is an entry in ClinVar:

ClinVar aggregate classification (germline): Pathogenic. Review status: criteria provided, multiple submitters, no conflicts (2 of 4 stars). 2 submissions from 2 submitters: Pathogenic (2). Last evaluated 2024-04-26.

Conditions:
Osteogenesis imperfecta type 7 (OI7). Also called: Osteogenesis imperfecta type 2B; OI type 2B; Osteogenesis imperfecta, perinatal lethal autosomal recessive; OI type IIB; OSTEOGENESIS IMPERFECTA, TYPE IIB; OI type 7. Identifiers: MedGen C1853162, MONDO:0012536, OMIM 610682.
CRTAP-related disorder. Also called: CRTAP-related condition.

Submissions (2):

Labcorp Genetics (formerly Invitae), Labcorp
Classification: Pathogenic for Osteogenesis imperfecta type 7. Last evaluated: 2024-04-26. Review status: criteria provided, single submitter. Criteria: Invitae Variant Classification Sherloc (09022015). Collection method: clinical testing. Allele origin: germline.
Comment: This sequence change creates a premature translational stop signal (p.Ala10Serfs*148) in the CRTAP gene. It is expected to result in an absent or disrupted protein product. Loss-of-function variants in CRTAP are known to be pathogenic (PMID: 17055431, 19862557, 24715559). This variant is present in population databases (rs755750808, gnomAD no frequency). This premature translational stop signal has been observed in individual(s) with osteogenesis imperfecta (PMID: 18566967). ClinVar contains an entry for this variant (Variation ID: 1070506). For these reasons, this variant has been classified as Pathogenic.

Blueprint Genetics
Classification: Pathogenic for CRTAP-related disorders. Last evaluated: 2019-09-09. Review status: criteria provided, single submitter. Criteria: ACMG Guidelines, 2015. Collection method: clinical testing. Allele origin: germline. Affected: yes. Observed: 2 variant alleles.

Literature cited by the submitters: PubMed 17055431 (cited by Labcorp Genetics (formerly Invitae), Labcorp); PubMed 19862557 (cited by Labcorp Genetics (formerly Invitae), Labcorp); PubMed 24715559 (cited by Labcorp Genetics (formerly Invitae), Labcorp); PubMed 18566967 (cited by Labcorp Genetics (formerly Invitae), Labcorp).

NM_006371.5(CRTAP):c.24_31del (p.Ala10fs)

Genes: CRTAP (cartilage associated protein; plus strand), LOC129936436 (ATAC-STARR-seq lymphoblastoid silent region 14183; plus strand). Cytogenetic location: 3p22.3.
Variant type: Deletion.
Coding change: c.24_31del on transcript NM_006371.5 (MANE Select); coding-DNA positions 24 to 31, 8 bases deleted (CGCGGCGC; older notation c.24_31delCGCGGCGC).
Protein change: p.Ala10fs; shifts the reading frame from alanine 10.
Molecular consequence: frameshift variant.
Genome position (GRCh38, 1-based): chr3:33,114,101-33,114,108, CGCGGCGC deleted; deleting any 8 consecutive bases within chr3:33,114,099-33,114,108 gives the same sequence; the c. name uses the placement nearest the transcript's 3' end. VCF-style (leftmost placement, unchanged base first): chr3-33114098-GGCCGCGGC-G. GRCh37 (hg19) VCF-style: chr3-33155590-GGCCGCGGC-G.
Other names: short protein forms A10fs.
Identifiers: ClinVar variation 1070506 (VCV001070506.8), dbSNP rs74315154, ClinGen allele CA2300168.